The following is an entry in ClinVar:

ClinVar aggregate classification (germline): Benign/Likely benign. Review status: criteria provided, multiple submitters, no conflicts (2 of 4 stars). 11 submissions from 11 submitters: Benign (6); Likely benign (4). 1 of the submissions does not count toward it. Last evaluated 2026-10-01.

Conditions:
APOB-related disorder. Also called: APOB-related condition; APOB-related disorders.
Cardiovascular phenotype. Identifiers: MedGen CN230736.
Familial hypercholesterolemia. Also called: Familial hypercholesterolemias; Familial hypercholesterolaemia. Identifiers: MedGen C0020445, MONDO:0005439.
Familial hypobetalipoproteinemia 1. Also called: Hypobetalipoproteinemia, normotriglyceridemic; Acanthocytosis with hypobetalipoproteinemia; APOB-Related Familial Hypobetalipoproteinemia. Identifiers: MedGen C4551990, MONDO:0014252, OMIM 615558.
Hypercholesterolemia, autosomal dominant, type B (FHCL2). Also called: Hyperlipoproteinemia Type IIb; APOB-Related Familial Hypercholesterolemia, Autosomal Dominant; Familial Hypercholesterolemia Type B; Familial hypercholesterolemia 2; APOLIPOPROTEIN B-100, FAMILIAL DEFECTIVE; APOLIPOPROTEIN B-100, FAMILIAL LIGAND-DEFECTIVE. Identifiers: MedGen C1704417, MONDO:0007751, OMIM 144010.

Submissions (11):

CeGaT Center for Human Genetics Tuebingen
Classification: Benign. Last evaluated: 2026-10-01. Review status: criteria provided, single submitter. Criteria: CeGaT Center For Human Genetics Tuebingen Variant Classification Criteria Version 2. Collection method: clinical testing. Allele origin: germline. Affected: yes. Observed: 53 variant alleles.
Comment: APOB: BS1, BS2

Labcorp Genetics (formerly Invitae), Labcorp
Classification: Benign for Familial hypobetalipoproteinemia 1; Hypercholesterolemia, autosomal dominant, type B. Last evaluated: 2026-01-27. Review status: criteria provided, single submitter. Criteria: Invitae Variant Classification Sherloc (09022015). Collection method: clinical testing. Allele origin: germline.

ARUP Laboratories, Molecular Genetics and Genomics, ARUP Laboratories
Classification: Likely benign. Last evaluated: 2025-07-11. Review status: criteria provided, single submitter. Criteria: ARUP Molecular Germline Variant Investigation Process 2024. Collection method: clinical testing. Allele origin: germline.

Molecular Diagnostic Laboratory for Inherited Cardiovascular Disease, Montreal Heart Institute
Classification: Likely benign. Last evaluated: 2025-04-09. Review status: criteria provided, single submitter. Criteria: ACMG Guidelines, 2015. Collection method: clinical testing. Allele origin: germline. Affected: no.

Blueprint Genetics
Classification: Likely benign. Last evaluated: 2024-11-25. Review status: criteria provided, single submitter. Criteria: ACMG Guidelines, 2015. Collection method: clinical testing. Allele origin: germline.

Mayo Clinic Laboratories, Mayo Clinic
Classification: Benign. Last evaluated: 2024-09-12. Review status: criteria provided, single submitter. Criteria: ACMG Guidelines, 2015. Collection method: clinical testing. Allele origin: germline. Observed: 2 variant alleles.
Comment: BS1, BS2, BP3

GENinCode PLC
Classification: Benign for Familial hypercholesterolemia. Last evaluated: 2023-09-27. Review status: criteria provided, single submitter. Criteria: ACMG Guidelines, 2015. Collection method: clinical testing. Allele origin: germline.

GeneDx
Classification: Benign. Last evaluated: 2020-06-23. Review status: criteria provided, single submitter. Criteria: GeneDx Variant Classification Process June 2021. Collection method: clinical testing. Allele origin: germline. Affected: yes.

Quest Diagnostics Nichols Institute San Juan Capistrano
Classification: Benign. Last evaluated: 2018-11-09. Review status: criteria provided, single submitter. Criteria: Quest Diagnostics criteria. Collection method: clinical testing. Allele origin: unknown.

Ambry Genetics
Classification: Likely benign for Cardiovascular phenotype. Last evaluated: 2018-09-30. Review status: criteria provided, single submitter. Criteria: Ambry Variant Classification Scheme 2023. Collection method: clinical testing. Allele origin: germline.

PreventionGenetics, part of Exact Sciences
Classification: Likely benign for APOB-related condition. Last evaluated: 2019-03-19. Review status: no assertion criteria provided. Collection method: clinical testing. Allele origin: germline. Not counted in ClinVar's aggregate classification.
Comment: This variant is classified as likely benign based on ACMG/AMP sequence variant interpretation guidelines (Richards et al. 2015 PMID: 25741868, with internal and published modifications).

NM_000384.3(APOB):c.49CTG[8] (p.Leu21_Leu22dup)

Genes: APOB (apolipoprotein B; minus strand), LOC106560211 (APOB 5' regulatory region; plus strand). Cytogenetic location: 2p24.1.
Variant type: Microsatellite.
Coding change: c.49CTG[8] on transcript NM_000384.3 (MANE Select); eight copies in a row of the 3-base unit CTG starting at c.49; the reference has six copies in a row; two copies, 6 bases duplicated; also written c.61_66dup.
Protein change: p.Leu21_Leu22dup.
Molecular consequence: inframe insertion.
Genome position (GRCh38, 1-based): chr2:21,043,880-21,043,885, CAGCAG duplicated on the plus strand (CTGCTG on the coding strand, the reverse complement: APOB is on the minus strand); duplicating any 6 consecutive bases within chr2:21,043,880-21,043,898 gives the same sequence; the position shown is the placement nearest the transcript's 3' end. VCF-style (leftmost placement, unchanged base first): chr2-21043879-C-CCAGCAG. GRCh37 (hg19) VCF-style: chr2-21266751-C-CCAGCAG.
Other names: p.Leu21_Leu22dup; c.61_66dup (NM_000384.3, NM_000384.2); c.61_66dup6 (NM_000384.2).
Identifiers: ClinVar variation 426250 (VCV000426250.42), dbSNP rs745520533, ClinGen allele CA1546563.